The following is an entry in ClinVar:

ClinVar aggregate classification (germline): Benign. Review status: criteria provided, multiple submitters, no conflicts (2 of 4 stars). 8 submissions from 7 submitters: Benign (8). Last evaluated 2026-02-04.

Conditions:
Fibromuscular dysplasia, multifocal. Identifiers: MedGen C5543412, MONDO:0859151, OMIM 619329.
Ehlers-Danlos syndrome, classic type, 1 (EDSCL1). Also called: Ehlers-Danlos syndrome, type 1; Ehlers-Danlos Syndrome, Classic Type, COL5A1-Related; EDS I; EHLERS-DANLOS SYNDROME, GRAVIS TYPE; EHLERS-DANLOS SYNDROME, SEVERE CLASSIC TYPE. Identifiers: MedGen C0268335, MONDO:0019567, OMIM 130000.

Allele frequency attached by ClinVar (database versions not stated): gnomAD exomes 0.00441 and 0.00168; ExAC 0.00539; gnomAD 0.01689 and 0.01585; ESP Exome Variant Server 0.01699; TOPMed 0.01741; 1000 Genomes Project 0.01597; 1000 Genomes Project 30x 0.01811.
gnomAD v4.1: 4,883 of 1,548,826 alleles (0.32%); highest among the groups gnomAD compares: African/African-American, 5.4%; 116 homozygotes.

Submissions (8):

Labcorp Genetics (formerly Invitae), Labcorp
Classification: Benign for Ehlers-Danlos syndrome, classic type, 1. Last evaluated: 2026-02-04. Review status: criteria provided, single submitter. Criteria: Invitae Variant Classification Sherloc (09022015). Collection method: clinical testing. Allele origin: germline.

ARUP Laboratories, Molecular Genetics and Genomics, ARUP Laboratories
Classification: Benign. Last evaluated: 2023-08-11. Review status: criteria provided, single submitter. Criteria: ARUP Molecular Germline Variant Investigation Process 2024. Collection method: clinical testing. Allele origin: germline.

Women's Health and Genetics/Laboratory Corporation of America, LabCorp
Classification: Benign. Last evaluated: 2023-07-21. Review status: criteria provided, single submitter. Criteria: LabCorp Variant Classification Summary - May 2015. Collection method: clinical testing. Allele origin: germline.

Genome-Nilou Lab
Classification: Benign for Ehlers-Danlos syndrome, classic type, 1. Last evaluated: 2022-03-15. Review status: criteria provided, single submitter. Criteria: ACMG Guidelines, 2015. Collection method: clinical testing. Allele origin: germline. Affected: no.

Genome-Nilou Lab
Classification: Benign for Fibromuscular dysplasia, multifocal. Last evaluated: 2022-03-15. Review status: criteria provided, single submitter. Criteria: ACMG Guidelines, 2015. Collection method: clinical testing. Allele origin: germline. Affected: no.

GeneDx
Classification: Benign. Last evaluated: 2013-04-15. Review status: criteria provided, single submitter. Criteria: GeneDx Variant Classification (06012015). Collection method: clinical testing. Allele origin: germline. Affected: yes.
Comment: This variant is considered likely benign or benign based on one or more of the following criteria: it is a conservative change, it occurs at a poorly conserved position in the protein, it is predicted to be benign by multiple in silico algorithms, and/or has population frequency not consistent with disease.

Breakthrough Genomics
Classification: Benign. Review status: criteria provided, single submitter. Criteria: ACMG Guidelines, 2015. Collection method: not provided. Allele origin: germline. Inheritance: Autosomal dominant inheritance. Affected: yes.

PreventionGenetics, part of Exact Sciences
Classification: Benign. Review status: criteria provided, single submitter. Criteria: ACMG Guidelines, 2015. Collection method: clinical testing. Allele origin: germline.

NM_000093.5(COL5A1):c.5067+20C>G

Genes: COL5A1 (collagen type V alpha 1 chain; plus strand), LOC101448202 (uncharacterized LOC101448202; minus strand). Cytogenetic location: 9q34.3.
Variant type: single nucleotide variant.
Coding change: c.5067+20C>G on transcript NM_000093.5 (MANE Select); 20 bases into the intron after coding-DNA position 5067, C replaced by G.
Molecular consequence: intron variant.
Genome position (GRCh38, 1-based): chr9:134,825,924, C>G. VCF-style: chr9-134825924-C-G. GRCh37 (hg19) VCF-style: chr9-137717770-C-G.
Other names: c.5067+20C>G (NM_001278074.1).
Identifiers: ClinVar variation 136907 (VCV000136907.22), dbSNP rs112600748, ClinGen allele CA290307.
Genomic context (GRCh38, chr9:134,825,924, plus strand): 5'-GGGGGTCGACATGCGTCTTCCCTGACAAGAAGTCCGAAGGGGTGAGTAGCTGTGTCCCTC[C>G]ATGGCCCCAGCGGGGCAGGCGTCACAGACAGGGCCATGCCGAGGGCTTCAAGCATTTCTT-3'